The following is an entry in ClinVar:

NM_001164508.2(NEB):c.10862_10864delinsCTT (p.Leu3621_Gln3622delinsProTer)

Gene: NEB (nebulin; minus strand). Cytogenetic location: 2q23.3.
Variant type: Indel.
Coding change: c.10862_10864delinsCTT on transcript NM_001164508.2 (MANE Select); coding-DNA positions 10862 to 10864, TCC replaced by CTT.
Protein change: p.Leu3621_Gln3622delinsProTer.
Molecular consequence: nonsense.
Genome position (GRCh38, 1-based): chr2:151,619,459-151,619,461, GGA replaced by AAG on the plus strand (TCC replaced by CTT on the coding strand, the reverse complement: NEB is on the minus strand). VCF-style: chr2-151619459-GGA-AAG. GRCh37 (hg19) VCF-style: chr2-152475973-GGA-AAG.
Other names: c.10862_10864delinsCTT, p.Leu3621_Gln3622delinsProTer (NM_001164507.2, NM_001271208.2); c.10133_10135delinsCTT, p.Leu3378_Gln3379delinsProTer (NM_004543.5).
Identifiers: ClinVar variation 4814703 (VCV004814703.1).

ClinVar aggregate classification (germline): Likely pathogenic (1 of 4 stars; one submission).

Conditions:
Nemaline myopathy 2 (NEM2). Also called: Nemaline myopathy 2, autosomal recessive. Identifiers: MedGen C1850569, MONDO:0009725, OMIM 256030.

Submission:

Natera, Inc.
Classification: Likely pathogenic for Nemaline myopathy type 2. Last evaluated: 2024-03-15. Review status: criteria provided, single submitter. Criteria: Natera Variant Classification Schema (03/2026). Collection method: clinical testing. Allele origin: germline.
Comment: The c.10862_10864delTCCinsCTT variant in NEB is a deletion-insertion (delins) variant predicted to replace one or more nucleotides with a different sequence. This variant is expected to result in nonsense mediated decay, truncation, or a dysfunctional protein product. This variant is rare in the general population with a frequency below the threshold expected for the associated phenotype(s). Given the available evidence, this variant is classified as Likely Pathogenic.